The following is an entry in ClinVar:

NM_030777.4(SLC2A10):c.1586G>C (p.Gly529Ala)

Gene: SLC2A10 (solute carrier family 2 member 10; plus strand). Cytogenetic location: 20q13.12.
Variant type: single nucleotide variant.
Coding change: c.1586G>C on transcript NM_030777.4 (MANE Select); coding-DNA position 1586, G replaced by C.
Protein change: p.Gly529Ala; replaces glycine 529 with alanine.
Molecular consequence: missense variant.
Genome position (GRCh38, 1-based): chr20:46,733,794, G>C. VCF-style: chr20-46733794-G-C. GRCh37 (hg19) VCF-style: chr20-45362433-G-C.
Other names: short protein forms G529A.
Identifiers: ClinVar variation 1975919 (VCV001975919.5), dbSNP rs750292263, ClinGen allele CA409274743.

ClinVar aggregate classification (germline): Uncertain significance (1 of 4 stars; one submission).

Conditions:
Arterial tortuosity syndrome (ATORS). Identifiers: Orphanet 3342, MedGen C1859726, MONDO:0008818, OMIM 208050.

Submission:

Labcorp Genetics (formerly Invitae), Labcorp
Classification: Uncertain significance for Arterial tortuosity syndrome. Last evaluated: 2022-06-29. Review status: criteria provided, single submitter. Criteria: Invitae Variant Classification Sherloc (09022015). Collection method: clinical testing. Allele origin: germline.
Comment: This missense change has been observed in individual(s) with congenital heart disease (PMID: 32368696). This variant is not present in population databases (gnomAD no frequency). This sequence change replaces glycine, which is neutral and non-polar, with alanine, which is neutral and non-polar, at codon 529 of the SLC2A10 protein (p.Gly529Ala). In summary, the available evidence is currently insufficient to determine the role of this variant in disease. Therefore, it has been classified as a Variant of Uncertain Significance. Advanced modeling of protein sequence and biophysical properties (such as structural, functional, and spatial information, amino acid conservation, physicochemical variation, residue mobility, and thermodynamic stability) performed at Invitae indicates that this missense variant is not expected to disrupt SLC2A10 protein function.

Literature cited by the submitters: PubMed 32368696.